The following is an entry in ClinVar:

ClinVar aggregate classification (germline): Uncertain significance. Review status: criteria provided, multiple submitters, no conflicts (2 of 4 stars). 2 submissions from 2 submitters: Uncertain significance (2). Last evaluated 2025-10-01.

Conditions:
Polyglucosan body myopathy type 1 (PGBM1). Also called: Polyglucosan body myopathy 1 with or without immunodeficiency; POLYGLUCOSAN BODY MYOPATHY WITHOUT IMMUNODEFICIENCY. Identifiers: Orphanet 329173, Orphanet 397937, MedGen C4014605, MONDO:0014389, OMIM 615895.

Allele frequency attached by ClinVar (database versions not stated): gnomAD exomes 0.00003; ExAC 0.00004; TOPMed 0.00004; gnomAD 0.00005.
gnomAD v4.1: 222 of 1,611,912 alleles (0.014%); highest among the groups gnomAD compares: Non-Finnish European, 0.018%; no homozygotes.

Submissions (2):

Labcorp Genetics (formerly Invitae), Labcorp
Classification: Uncertain significance for Polyglucosan body myopathy type 1. Last evaluated: 2025-10-01. Review status: criteria provided, single submitter. Criteria: Invitae Variant Classification Sherloc (09022015). Collection method: clinical testing. Allele origin: germline.
Comment: This sequence change replaces proline, which is neutral and non-polar, with threonine, which is neutral and polar, at codon 172 of the RBCK1 protein (p.Pro172Thr). This variant is present in population databases (rs751621844, gnomAD 0.007%). This variant has not been reported in the literature in individuals affected with RBCK1-related conditions. ClinVar contains an entry for this variant (Variation ID: 1011762). Invitae Evidence Modeling of protein sequence and biophysical properties (such as structural, functional, and spatial information, amino acid conservation, physicochemical variation, residue mobility, and thermodynamic stability) indicates that this missense variant is not expected to disrupt RBCK1 protein function with a negative predictive value of 80%. In summary, the available evidence is currently insufficient to determine the role of this variant in disease. Therefore, it has been classified as a Variant of Uncertain Significance.

Mayo Clinic Laboratories, Mayo Clinic
Classification: Uncertain significance. Last evaluated: 2021-04-28. Review status: criteria provided, single submitter. Criteria: ACMG Guidelines, 2015. Collection method: clinical testing. Allele origin: germline.

NM_031229.4(RBCK1):c.514C>A (p.Pro172Thr)

Gene: RBCK1 (RANBP2-type and C3HC4-type zinc finger containing 1; plus strand). Cytogenetic location: 20p13.
Variant type: single nucleotide variant.
Coding change: c.514C>A on transcript NM_031229.4 (MANE Select); coding-DNA position 514, C replaced by A.
Protein change: p.Pro172Thr; replaces proline 172 with threonine.
Molecular consequence: missense variant. On other transcripts: synonymous variant (2), non-coding transcript variant (1).
Genome position (GRCh38, 1-based): chr20:419,400, C>A. VCF-style: chr20-419400-C-A. GRCh37 (hg19) VCF-style: chr20-400044-C-A.
Other names: p.Pro172Thr; c.165C>A, p.Ala55= (NM_001323956.2, NM_001323958.2); c.388C>A, p.Pro130Thr (NM_006462.6); short protein forms P130T, P172T.
Identifiers: ClinVar variation 1011762 (VCV001011762.8), dbSNP rs751621844, ClinGen allele CA9723111.